The following is an entry in ClinVar:

NM_001136035.4(TRMT1):c.1312-4G>A

Gene: TRMT1 (tRNA methyltransferase 1; minus strand). Cytogenetic location: 19p13.13.
Variant type: single nucleotide variant.
Coding change: c.1312-4G>A on transcript NM_001136035.4 (MANE Select); 4 bases into the intron before coding-DNA position 1312, G replaced by A.
Molecular consequence: intron variant.
Genome position (GRCh38, 1-based): chr19:13,109,470, C>T on the plus strand (G>A on the coding strand, the complement: TRMT1 is on the minus strand). VCF-style: chr19-13109470-C-T. GRCh37 (hg19) VCF-style: chr19-13220284-C-T.
Other names: c.1204-4G>A (NM_001351761.2); c.1225-4G>A (NM_001351760.2, NM_001142554.3); c.529-4G>A (NM_001351762.2); c.1312-4G>A (NM_017722.5).
Identifiers: ClinVar variation 773350 (VCV000773350.36), dbSNP rs147799611, ClinGen allele CA9237669.

ClinVar aggregate classification (germline): Benign/Likely benign. Review status: criteria provided, multiple submitters, no conflicts (2 of 4 stars). 2 submissions from 2 submitters: Benign (1); Likely benign (1). Last evaluated 2026-02-01.

Allele frequency attached by ClinVar (database versions not stated): 1000 Genomes Project 30x 0.00172; gnomAD exomes 0.00195 and 0.00297; 1000 Genomes Project 0.00200; ExAC 0.00223; ESP Exome Variant Server 0.00261; gnomAD 0.00158 and 0.00170; TOPMed 0.00158.
gnomAD v4.1: 4,569 of 1,613,860 alleles (0.28%); highest among the groups gnomAD compares: Non-Finnish European, 0.35%; 11 homozygotes.

Submissions (2):

CeGaT Center for Human Genetics Tuebingen
Classification: Likely benign. Last evaluated: 2026-02-01. Review status: criteria provided, single submitter. Criteria: CeGaT Center For Human Genetics Tuebingen Variant Classification Criteria Version 2. Collection method: clinical testing. Allele origin: germline. Affected: yes. Observed: 8 variant alleles.
Comment: TRMT1: BP4, BS2

Labcorp Genetics (formerly Invitae), Labcorp
Classification: Benign. Last evaluated: 2019-12-31. Review status: criteria provided, single submitter. Criteria: Invitae Variant Classification Sherloc (09022015). Collection method: clinical testing. Allele origin: germline.